The following is an entry in ClinVar:

NM_001370259.2(MEN1):c.*794G>A

Gene: MEN1 (menin 1; minus strand). Cytogenetic location: 11q13.1.
Variant type: single nucleotide variant.
Coding change: c.*794G>A on transcript NM_001370259.2 (MANE Select); 794 bases downstream of the stop codon, G replaced by A.
Molecular consequence: 3 prime UTR variant.
Genome position (GRCh38, 1-based): chr11:64,803,540, C>T on the plus strand (G>A on the coding strand, the complement: MEN1 is on the minus strand). VCF-style: chr11-64803540-C-T. GRCh37 (hg19) VCF-style: chr11-64571012-C-T.
Other names: c.*794G>A (NM_000244.4, NM_001370251.2, NM_001370260.2 and 9 more transcripts).
Identifiers: ClinVar variation 305295 (VCV000305295.6), dbSNP rs117705251, ClinGen allele CA10638984.
Genomic context (GRCh38, chr11:64,803,540, plus strand): 5'-CCAATTTCCCAGATAAACATGGACTTGCGCTTTATATTTTTTTTAACAAAATGTATTCAT[C>T]TTTCTTGGAACTGAAAAATAAATCTATGTACAAAACAGGAAGAGATCAGGCTCTTGTCAC-3'

ClinVar aggregate classification (germline): Benign/Likely benign. Review status: criteria provided, single submitter (1 of 4 stars). 2 submissions from 1 submitter: Benign (1); Likely benign (1). Last evaluated 2018-01-13.

Conditions:
Hyperparathyroidism. Identifiers: MedGen C0020502, MONDO:0001741, HP:0000843.
Multiple endocrine neoplasia, type 1 (MEN1). Also called: MEA I; MEN I; WERMER SYNDROME; Endocrine adenomatosis multiple; MEN 1. Identifiers: Orphanet 652, MedGen C0025267, MeSH D018761, MONDO:0007540, OMIM 131100.

Allele frequency attached by ClinVar (database versions not stated): gnomAD 0.00020 and 0.00033; TOPMed 0.00076; 1000 Genomes Project 0.00200; 1000 Genomes Project 30x 0.00234.
gnomAD v4.1: 133 of 231,766 alleles (0.057%); highest among the groups gnomAD compares: East Asian, 0.78%; 1 homozygote.

Submissions (2):

Illumina Laboratory Services, Illumina
Classification: Benign for Multiple endocrine neoplasia, type 1. Last evaluated: 2018-01-13. Review status: criteria provided, single submitter. Criteria: ICSL Variant Classification Criteria 13 December 2019. Collection method: clinical testing. Allele origin: germline.
Comment: This variant was observed in the ICSL laboratory as part of a predisposition screen in an ostensibly healthy population. It had not been previously curated by ICSL or reported in the Human Gene Mutation Database (HGMD: prior to June 1st, 2018), and was therefore a candidate for classification through an automated scoring system. Utilizing variant allele frequency, disease prevalence and penetrance estimates, and inheritance mode, an automated score was calculated to assess if this variant is too frequent to cause the disease. Based on the score and internal cut-off values, a variant classified as benign is not then subjected to further curation. The score for this variant resulted in a classification of benign for this disease.

Illumina Laboratory Services, Illumina
Classification: Likely benign for Hyperparathyroidism. Last evaluated: 2018-01-13. Review status: criteria provided, single submitter. Criteria: ICSL Variant Classification Criteria 13 December 2019. Collection method: clinical testing. Allele origin: germline.
Comment: This variant was observed in the ICSL laboratory as part of a predisposition screen in an ostensibly healthy population. It had not been previously curated by ICSL or reported in the Human Gene Mutation Database (HGMD: prior to June 1st, 2018), and was therefore a candidate for classification through an automated scoring system. Utilizing variant allele frequency, disease prevalence and penetrance estimates, and inheritance mode, an automated score was calculated to assess if this variant is too frequent to cause the disease. Based on the score and internal cut-off values, a variant classified as likely benign is not then subjected to further curation. The score for this variant resulted in a classification of likely benign for this disease.